The following is an entry in ClinVar:

ClinVar aggregate classification (germline): Likely benign (0 of 4 stars; one submission).

Conditions:
GTF2IRD1-related disorder. Also called: GTF2IRD1-related condition.

gnomAD v4.1: 46 of 1,563,168 alleles (0.0029%); highest among the groups gnomAD compares: African/African-American, 0.06%; no homozygotes.

Submission:

PreventionGenetics, part of Exact Sciences
Classification: Likely benign for GTF2IRD1-related condition. Last evaluated: 2019-03-18. Review status: no assertion criteria provided. Collection method: clinical testing. Allele origin: germline.
Comment: This variant is classified as likely benign based on ACMG/AMP sequence variant interpretation guidelines (Richards et al. 2015 PMID: 25741868, with internal and published modifications).

NM_005685.4(GTF2IRD1):c.266-20G>C

Gene: GTF2IRD1 (GTF2I repeat domain containing 1; plus strand). Cytogenetic location: 7q11.23.
Variant type: single nucleotide variant.
Coding change: c.266-20G>C on transcript NM_005685.4 (MANE Select); 20 bases into the intron before coding-DNA position 266, G replaced by C.
Molecular consequence: intron variant. On other transcripts: synonymous variant (1).
Genome position (GRCh38, 1-based): chr7:74,515,421, G>C. VCF-style: chr7-74515421-G-C. GRCh37 (hg19) VCF-style: chr7-73929751-G-C.
Other names: c.342G>C, p.Ser114= (NM_001199207.2); c.266-20G>C (NM_016328.3, NM_001410888.1).
Identifiers: ClinVar variation 3057421 (VCV003057421.2), dbSNP rs138159923, ClinGen allele CA4296458.